The following is an entry in ClinVar:

ClinVar aggregate classification (germline): Likely benign. Review status: criteria provided, multiple submitters, no conflicts (2 of 4 stars). 3 submissions from 3 submitters: Likely benign (3). Last evaluated 2025-02-01.

Conditions:
Inborn genetic diseases. Identifiers: MedGen C0950123, MeSH D030342.

Allele frequency attached by ClinVar (database versions not stated): gnomAD 0.00002; gnomAD exomes 0.00002 and 0.00003; TOPMed 0.00002; ExAC 0.00003.

Submissions (3):

CeGaT Center for Human Genetics Tuebingen
Classification: Likely benign. Last evaluated: 2025-02-01. Review status: criteria provided, single submitter. Criteria: CeGaT Center For Human Genetics Tuebingen Variant Classification Criteria Version 2. Collection method: clinical testing. Allele origin: germline. Affected: yes. Observed: 1 variant allele.
Comment: POGZ: BP4, BP7

Ambry Genetics
Classification: Likely benign for Inborn genetic diseases. Last evaluated: 2024-01-16. Review status: criteria provided, single submitter. Criteria: Ambry Variant Classification Scheme 2023. Collection method: clinical testing. Allele origin: germline.

GeneDx
Classification: Likely benign. Last evaluated: 2019-05-24. Review status: criteria provided, single submitter. Criteria: GeneDx Variant Classification Process June 2021. Collection method: clinical testing. Allele origin: germline. Affected: yes.

NM_015100.4(POGZ):c.2814A>G (p.Glu938=)

Gene: POGZ (pogo transposable element derived with ZNF domain; minus strand). Cytogenetic location: 1q21.3.
Variant type: single nucleotide variant.
Coding change: c.2814A>G on transcript NM_015100.4 (MANE Select); coding-DNA position 2814, A replaced by G.
Protein change: p.Glu938=; no amino-acid change (glutamic acid 938 retained).
Molecular consequence: synonymous variant.
Genome position (GRCh38, 1-based): chr1:151,406,221, T>C on the plus strand (A>G on the coding strand, the complement: POGZ is on the minus strand). VCF-style: chr1-151406221-T-C. GRCh37 (hg19) VCF-style: chr1-151378697-T-C.
Other names: c.2787A>G, p.Glu929= (NM_001194937.2); c.2628A>G, p.Glu876= (NM_001194938.2); c.2529A>G, p.Glu843= (NM_145796.4); c.2655A>G, p.Glu885= (NM_207171.2).
Identifiers: ClinVar variation 1220054 (VCV001220054.17), dbSNP rs750051387, ClinGen allele CA1091057.